The following is an entry in ClinVar:

ClinVar aggregate classification (germline): Pathogenic (1 of 4 stars; one submission).

Submission:

Labcorp Genetics (formerly Invitae), Labcorp
Classification: Pathogenic. Last evaluated: 2024-06-13. Review status: criteria provided, single submitter. Criteria: Invitae Variant Classification Sherloc (09022015). Collection method: clinical testing. Allele origin: germline.
Comment: This sequence change creates a premature translational stop signal (p.Ser394Phefs*31) in the SKIV2L gene. It is expected to result in an absent or disrupted protein product. Loss-of-function variants in SKIV2L are known to be pathogenic (PMID: 22444670). This variant is not present in population databases (gnomAD no frequency). This variant has not been reported in the literature in individuals affected with SKIV2L-related conditions. For these reasons, this variant has been classified as Pathogenic.

Literature cited by the submitters: PubMed 22444670.

NM_006929.5(SKIC2):c.1180_1181insTCTG (p.Ser394fs)

Genes: SKIC2 (SKI2 subunit of superkiller complex; plus strand), LOC126859653 (CDK7 strongly-dependent group 2 enhancer GRCh37_chr6:31929542-31930741; plus strand). Cytogenetic location: 6p21.33.
Variant type: Insertion.
Coding change: c.1180_1181insTCTG on transcript NM_006929.5 (MANE Select); coding-DNA positions 1180 to 1181, TCTG inserted.
Protein change: p.Ser394fs; shifts the reading frame from serine 394.
Molecular consequence: frameshift variant.
Genome position: GRCh38 VCF-style: chr6-31962554-T-TTCTG. GRCh37 (hg19) VCF-style: chr6-31930331-T-TTCTG.
Other names: short protein forms S394fs.
Identifiers: ClinVar variation 3689267 (VCV003689267.2).